The following is an entry in ClinVar:

ClinVar aggregate classification (germline): Pathogenic (1 of 4 stars; one submission).

Conditions:
Hereditary cancer-predisposing syndrome. Also called: Neoplastic Syndromes, Hereditary; Tumor predisposition; Hereditary neoplastic syndrome; Hereditary Cancer Syndrome. Identifiers: Orphanet 140162, MedGen C0027672, MeSH D009386, MONDO:0015356.

Submission:

Color Diagnostics, LLC DBA Color Health
Classification: Pathogenic for Hereditary cancer-predisposing syndrome. Last evaluated: 2022-02-23. Review status: criteria provided, single submitter. Criteria: ACMG Guidelines, 2015. Collection method: clinical testing. Allele origin: germline.
Comment: This variant deletes 20 nucleotides in exon 11 of the BRCA2 gene, creating a frameshift and premature translation stop signal. This variant is expected to result in an absent or non-functional protein product. To our knowledge, this variant has not been reported in individuals affected with hereditary cancer in the literature. This variant has not been identified in the general population by the Genome Aggregation Database (gnomAD). Loss of BRCA2 function is a known mechanism of disease. Based on the available evidence, this variant is classified as Pathogenic.

NM_000059.4(BRCA2):c.4859_4878del (p.Leu1620fs)

Gene: BRCA2 (BRCA2 DNA repair associated; plus strand). Cytogenetic location: 13q13.1.
Variant type: Deletion.
Coding change: c.4859_4878del on transcript NM_000059.4 (MANE Select); coding-DNA positions 4859 to 4878, 20 bases deleted (TATGTAGACAAACTGAAAAT).
Protein change: p.Leu1620fs; shifts the reading frame from leucine 1620.
Molecular consequence: frameshift variant.
Genome position (GRCh38, 1-based): chr13:32,339,214-32,339,233, TATGTAGACAAACTGAAAAT deleted; deleting any 20 consecutive bases within chr13:32,339,213-32,339,233 gives the same sequence; the c. name uses the placement nearest the transcript's 3' end. VCF-style (leftmost placement, unchanged base first): chr13-32339212-TTTATGTAGACAAACTGAAAA-T. GRCh37 (hg19) VCF-style: chr13-32913349-TTTATGTAGACAAACTGAAAA-T.
Other names: short protein forms L1620fs.
Identifiers: ClinVar variation 629987 (VCV000629987.4), dbSNP rs1566231260, ClinGen allele CA913188605.